The following is an entry in ClinVar:

ClinVar aggregate classification (germline): Uncertain significance (1 of 4 stars; one submission).

Conditions:
Fanconi anemia (FA). Also called: Fanconi's anemia. Identifiers: Orphanet 84, MedGen C0015625, MeSH D005199, MONDO:0019391.

Submission:

Labcorp Genetics (formerly Invitae), Labcorp
Classification: Uncertain significance for Fanconi anemia. Last evaluated: 2023-01-02. Review status: criteria provided, single submitter. Criteria: Invitae Variant Classification Sherloc (09022015). Collection method: clinical testing. Allele origin: germline.
Comment: This sequence change replaces serine, which is neutral and polar, with isoleucine, which is neutral and non-polar, at codon 1154 of the FANCM protein (p.Ser1154Ile). In summary, the available evidence is currently insufficient to determine the role of this variant in disease. Therefore, it has been classified as a Variant of Uncertain Significance. Algorithms developed to predict the effect of missense changes on protein structure and function are either unavailable or do not agree on the potential impact of this missense change (SIFT: "Tolerated"; PolyPhen-2: "Possibly Damaging"; Align-GVGD: "Class C0"). This variant has not been reported in the literature in individuals affected with FANCM-related conditions. This variant is not present in population databases (gnomAD no frequency).

NM_020937.4(FANCM):c.3461G>T (p.Ser1154Ile)

Gene: FANCM (FA complementation group M; plus strand). Cytogenetic location: 14q21.2.
Variant type: single nucleotide variant.
Coding change: c.3461G>T on transcript NM_020937.4 (MANE Select); coding-DNA position 3461, G replaced by T.
Protein change: p.Ser1154Ile; replaces serine 1154 with isoleucine.
Molecular consequence: missense variant.
Genome position (GRCh38, 1-based): chr14:45,176,215, G>T. VCF-style: chr14-45176215-G-T. GRCh37 (hg19) VCF-style: chr14-45645418-G-T.
Other names: c.3383G>T, p.Ser1128Ile (NM_001308133.2); short protein forms S1128I, S1154I.
Identifiers: ClinVar variation 2821586 (VCV002821586.3), dbSNP rs2139248649, ClinGen allele CA389601652.